The following is an entry in ClinVar:

NM_014915.3(ANKRD26):c.1594G>C (p.Glu532Gln)

Gene: ANKRD26 (ankyrin repeat domain containing 26; minus strand). Cytogenetic location: 10p12.1.
Variant type: single nucleotide variant.
Coding change: c.1594G>C on transcript NM_014915.3 (MANE Select); coding-DNA position 1594, G replaced by C.
Protein change: p.Glu532Gln; replaces glutamic acid 532 with glutamine.
Molecular consequence: missense variant.
Genome position (GRCh38, 1-based): chr10:27,053,361, C>G on the plus strand (G>C on the coding strand, the complement: ANKRD26 is on the minus strand). VCF-style: chr10-27053361-C-G. GRCh37 (hg19) VCF-style: chr10-27342290-C-G.
Other names: c.1594G>C, p.Glu532Gln (NM_001256053.2); short protein forms E532Q.
Identifiers: ClinVar variation 3360755 (VCV003360755.3).
Genomic context (GRCh38, chr10:27,053,361, plus strand): 5'-TTTTAAAAATATATAATACCTGTGGCTGGTTATTTTCACTCCCTTCCCTTTCTTGCTCTT[C>G]TTCTGATGCTACTTCTAAGTCATGTTCAGCTGAAAAAATCCAAATATTTAGTTTAATGAA-3'
Protein context (NP_055730.2, residues 522-542): AEHDLEVASE[Glu532Gln]EQEREGSENN

ClinVar aggregate classification (germline): Uncertain significance. Review status: criteria provided, multiple submitters, no conflicts (2 of 4 stars). 2 submissions from 2 submitters: Uncertain significance (2). Last evaluated 2025-03-18.

Conditions:
Inborn genetic diseases. Identifiers: MedGen C0950123, MeSH D030342.

gnomAD v4.1: 5 of 1,611,176 alleles (0.00031%); highest among the groups gnomAD compares: African/African-American, 0.0067%; no homozygotes.

Submissions (2):

Ambry Genetics
Classification: Uncertain significance for Inborn genetic diseases. Last evaluated: 2025-03-18. Review status: criteria provided, single submitter. Criteria: Ambry Variant Classification Scheme 2023. Collection method: clinical testing. Allele origin: germline.

GeneDx
Classification: Uncertain significance. Last evaluated: 2023-07-06. Review status: criteria provided, single submitter. Criteria: GeneDx Variant Classification Process June 2021. Collection method: clinical testing. Allele origin: germline. Affected: yes.
Comment: Not observed at significant frequency in large population cohorts (gnomAD); In silico analysis supports that this missense variant does not alter protein structure/function; Has not been previously published as pathogenic or benign to our knowledge